The following is an entry in ClinVar:

ClinVar aggregate classification (germline): Uncertain significance. Review status: criteria provided, multiple submitters, no conflicts (2 of 4 stars). 2 submissions from 2 submitters: Uncertain significance (2). Last evaluated 2025-01-22.

Conditions:
Inborn genetic diseases. Identifiers: MedGen C0950123, MeSH D030342.

Allele frequency attached by ClinVar (database versions not stated): gnomAD 0.00002.
gnomAD v4.1: 17 of 1,611,108 alleles (0.0011%); highest among the groups gnomAD compares: Non-Finnish European, 0.0014%; no homozygotes.

Submissions (2):

Ambry Genetics
Classification: Uncertain significance for Inborn genetic diseases. Last evaluated: 2025-01-22. Review status: criteria provided, single submitter. Criteria: Ambry Variant Classification Scheme 2023. Collection method: clinical testing. Allele origin: germline.

Labcorp Genetics (formerly Invitae), Labcorp
Classification: Uncertain significance. Last evaluated: 2022-05-16. Review status: criteria provided, single submitter. Criteria: Invitae Variant Classification Sherloc (09022015). Collection method: clinical testing. Allele origin: germline.
Comment: In summary, the available evidence is currently insufficient to determine the role of this variant in disease. Therefore, it has been classified as a Variant of Uncertain Significance. Algorithms developed to predict the effect of missense changes on protein structure and function are either unavailable or do not agree on the potential impact of this missense change (SIFT: "Deleterious"; PolyPhen-2: "Probably Damaging"; Align-GVGD: "Class C0"). This variant has not been reported in the literature in individuals affected with IFT74-related conditions. This variant is not present in population databases (gnomAD no frequency). This sequence change replaces glutamic acid, which is acidic and polar, with glycine, which is neutral and non-polar, at codon 198 of the IFT74 protein (p.Glu198Gly).

NM_025103.4(IFT74):c.593A>G (p.Glu198Gly)

Gene: IFT74 (intraflagellar transport 74; plus strand). Cytogenetic location: 9p21.2.
Variant type: single nucleotide variant.
Coding change: c.593A>G on transcript NM_025103.4 (MANE Select); coding-DNA position 593, A replaced by G.
Protein change: p.Glu198Gly; replaces glutamic acid 198 with glycine.
Molecular consequence: missense variant.
Genome position (GRCh38, 1-based): chr9:27,009,025, A>G. VCF-style: chr9-27009025-A-G. GRCh37 (hg19) VCF-style: chr9-27009023-A-G.
Other names: c.593A>G, p.Glu198Gly (NM_001099222.3, NM_001099223.3, NM_001099224.3 and 1 more transcripts); c.593A>G (NM_001099222.1); short protein forms E198G.
Identifiers: ClinVar variation 1928364 (VCV001928364.6), dbSNP rs761800746, ClinGen allele CA373116046.